The following is an entry in ClinVar:

ClinVar aggregate classification (germline): Likely benign. Review status: criteria provided, multiple submitters, no conflicts (2 of 4 stars). 2 submissions from 2 submitters: Likely benign (2). Last evaluated 2026-09-01.

Conditions:
Mitochondrial hypertrophic cardiomyopathy with lactic acidosis due to MTO1 deficiency. Also called: Combined oxidative phosphorylation deficiency 10; CARDIOMYOPATHY, INFANTILE HYPERTROPHIC MITOCHONDRIAL, AND LACTIC ACIDOSIS. Identifiers: Orphanet 314637, MedGen C4749921, MONDO:0013865, OMIM 614702.

Allele frequency attached by ClinVar (database versions not stated): gnomAD 0.00001; TOPMed 0.00001.
gnomAD v4.1: 28 of 1,613,946 alleles (0.0017%); highest among the groups gnomAD compares: Admixed American, 0.0083%; no homozygotes.

Submissions (2):

CeGaT Center for Human Genetics Tuebingen
Classification: Likely benign. Last evaluated: 2026-09-01. Review status: criteria provided, single submitter. Criteria: CeGaT Center For Human Genetics Tuebingen Variant Classification Criteria Version 2. Collection method: clinical testing. Allele origin: germline. Affected: yes. Observed: 1 variant allele.
Comment: MTO1: BP4, BP7

Labcorp Genetics (formerly Invitae), Labcorp
Classification: Likely benign for Mitochondrial hypertrophic cardiomyopathy with lactic acidosis due to MTO1 deficiency. Last evaluated: 2025-09-21. Review status: criteria provided, single submitter. Criteria: Invitae Variant Classification Sherloc (09022015). Collection method: clinical testing. Allele origin: germline.

NM_012123.4(MTO1):c.621G>A (p.Thr207=)

Gene: MTO1 (mitochondrial tRNA translation optimization 1; plus strand). Cytogenetic location: 6q13.
Variant type: single nucleotide variant.
Coding change: c.621G>A on transcript NM_012123.4 (MANE Select); coding-DNA position 621, G replaced by A.
Protein change: p.Thr207=; no amino-acid change (threonine 207 retained).
Molecular consequence: synonymous variant.
Genome position (GRCh38, 1-based): chr6:73,473,450, G>A. VCF-style: chr6-73473450-G-A. GRCh37 (hg19) VCF-style: chr6-74183173-G-A.
Other names: c.621G>A, p.Thr207= (NM_001123226.2, NM_133645.3).
Identifiers: ClinVar variation 1111474 (VCV001111474.10), dbSNP rs763650850, ClinGen allele CA3889410.